The following is an entry in ClinVar:

NM_017654.4(SAMD9):c.2998T>C (p.Tyr1000His)

Gene: SAMD9 (sterile alpha motif domain containing 9; minus strand). Cytogenetic location: 7q21.2.
Variant type: single nucleotide variant.
Coding change: c.2998T>C on transcript NM_017654.4 (MANE Select); coding-DNA position 2998, T replaced by C.
Protein change: p.Tyr1000His; replaces tyrosine 1000 with histidine.
Molecular consequence: missense variant.
Genome position (GRCh38, 1-based): chr7:93,103,100, A>G on the plus strand (T>C on the coding strand, the complement: SAMD9 is on the minus strand). VCF-style: chr7-93103100-A-G. GRCh37 (hg19) VCF-style: chr7-92732413-A-G.
Other names: c.2998T>C, p.Tyr1000His (NM_001193307.2); short protein forms Y1000H.
Identifiers: ClinVar variation 4827022 (VCV004827022.1).

ClinVar aggregate classification (germline): Uncertain significance (1 of 4 stars; one submission).

Conditions:
Inborn genetic diseases. Identifiers: MedGen C0950123, MeSH D030342.

gnomAD v4.1: 20 of 1,613,808 alleles (0.0012%); highest among the groups gnomAD compares: Non-Finnish European, 0.0015%; no homozygotes.

Submission:

Ambry Genetics
Classification: Uncertain significance for Inborn genetic diseases. Last evaluated: 2026-03-08. Review status: criteria provided, single submitter. Criteria: Ambry Variant Classification Scheme 2023. Collection method: clinical testing. Allele origin: germline.
Comment: The p.Y1000H variant (also known as c.2998T>C), located in coding exon 1 of the SAMD9 gene, results from a T to C substitution at nucleotide position 2998. The tyrosine at codon 1000 is replaced by histidine, an amino acid with similar properties. This amino acid position is conserved. In addition, this alteration is predicted to be tolerated by in silico analysis. Based on the available evidence, the clinical significance of this variant remains unclear.